The following is an entry in ClinVar:

NM_001267550.2(TTN):c.26723T>C (p.Val8908Ala)

Gene: TTN (titin; minus strand). Cytogenetic location: 2q31.2.
Variant type: single nucleotide variant.
Coding change: c.26723T>C on transcript NM_001267550.2 (MANE Select); coding-DNA position 26723, T replaced by C.
Protein change: p.Val8908Ala; replaces valine 8908 with alanine.
Molecular consequence: missense variant. On other transcripts: intron variant (3).
Genome position (GRCh38, 1-based): chr2:178,713,935, A>G on the plus strand (T>C on the coding strand, the complement: TTN is on the minus strand). VCF-style: chr2-178713935-A-G. GRCh37 (hg19) VCF-style: chr2-179578662-A-G.
Other names: c.25772T>C, p.Val8591Ala (NM_001256850.1); c.22991T>C, p.Val7664Ala (NM_133378.4); c.13282+24147T>C (NM_003319.4); c.13858+24147T>C (NM_133437.4); c.13657+24147T>C (NM_133432.3); short protein forms V8908A, V7664A, V8591A.
Identifiers: ClinVar variation 681990 (VCV000681990.1), dbSNP rs1577882328, ClinGen allele CA349463241.

ClinVar aggregate classification (germline): Likely benign (1 of 4 stars; one submission).

Submission:

GeneDx
Classification: Likely benign. Last evaluated: 2018-04-16. Review status: criteria provided, single submitter. Criteria: GeneDx Variant Classification (06012015). Collection method: clinical testing. Allele origin: germline. Affected: yes.
Comment: This variant is considered likely benign or benign based on one or more of the following criteria: it is a conservative change, it occurs at a poorly conserved position in the protein, it is predicted to be benign by multiple in silico algorithms, and/or has population frequency not consistent with disease.